The following is an entry in ClinVar:

ClinVar aggregate classification (germline): Uncertain significance. Review status: criteria provided, multiple submitters, no conflicts (2 of 4 stars). 2 submissions from 2 submitters: Uncertain significance (2). Last evaluated 2025-10-14.

Conditions:
Inborn genetic diseases. Identifiers: MedGen C0950123, MeSH D030342.

Allele frequency attached by ClinVar (database versions not stated): TOPMed 0.00001.

Submissions (2):

Ambry Genetics
Classification: Uncertain significance for Inborn genetic diseases. Last evaluated: 2025-10-14. Review status: criteria provided, single submitter. Criteria: Ambry Variant Classification Scheme 2023. Collection method: clinical testing. Allele origin: germline.

Labcorp Genetics (formerly Invitae), Labcorp
Classification: Uncertain significance. Last evaluated: 2022-07-26. Review status: criteria provided, single submitter. Criteria: Invitae Variant Classification Sherloc (09022015). Collection method: clinical testing. Allele origin: germline.
Comment: This variant is not present in population databases (gnomAD no frequency). This sequence change replaces methionine, which is neutral and non-polar, with isoleucine, which is neutral and non-polar, at codon 1017 of the SPEG protein (p.Met1017Ile). This variant has not been reported in the literature in individuals affected with SPEG-related conditions. Algorithms developed to predict the effect of missense changes on protein structure and function are either unavailable or do not agree on the potential impact of this missense change (SIFT: "Deleterious"; PolyPhen-2: "Probably Damaging"; Align-GVGD: "Class C0"). In summary, the available evidence is currently insufficient to determine the role of this variant in disease. Therefore, it has been classified as a Variant of Uncertain Significance.

NM_005876.5(SPEG):c.3051G>A (p.Met1017Ile)

Gene: SPEG (striated muscle enriched protein kinase; plus strand). Cytogenetic location: 2q35.
Variant type: single nucleotide variant.
Coding change: c.3051G>A on transcript NM_005876.5 (MANE Select); coding-DNA position 3051, G replaced by A.
Protein change: p.Met1017Ile; replaces methionine 1017 with isoleucine.
Molecular consequence: missense variant.
Genome position (GRCh38, 1-based): chr2:219,467,343, G>A. VCF-style: chr2-219467343-G-A. GRCh37 (hg19) VCF-style: chr2-220332065-G-A.
Other names: c.3051G>A (NM_005876.4); short protein forms M1017I.
Identifiers: ClinVar variation 1947357 (VCV001947357.6), dbSNP rs1367891670, ClinGen allele CA350743356.